The following is an entry in ClinVar:

NM_001374353.1(GLI2):c.3551C>G (p.Thr1184Arg)

Gene: GLI2 (GLI family zinc finger 2; plus strand). Cytogenetic location: 2q14.2.
Variant type: single nucleotide variant.
Coding change: c.3551C>G on transcript NM_001374353.1 (MANE Select); coding-DNA position 3551, C replaced by G.
Protein change: p.Thr1184Arg; replaces threonine 1184 with arginine.
Molecular consequence: missense variant.
Genome position (GRCh38, 1-based): chr2:120,989,516, C>G. VCF-style: chr2-120989516-C-G. GRCh37 (hg19) VCF-style: chr2-121747092-C-G.
Other names: c.3602C>G, p.Thr1201Arg (NM_001371271.1, NM_005270.5); c.3176C>G, p.Thr1059Arg (NM_001374354.1); short protein forms T1059R, T1184R, T1201R.
Identifiers: ClinVar variation 2430932 (VCV002430932.2), dbSNP rs376756023, ClinGen allele CA348175225.

ClinVar aggregate classification (germline): Uncertain significance. Review status: criteria provided, multiple submitters, no conflicts (2 of 4 stars). 2 submissions from 2 submitters: Uncertain significance (2). Last evaluated 2025-06-18.

Conditions:
Inborn genetic diseases. Identifiers: MedGen C0950123, MeSH D030342.

Submissions (2):

Ambry Genetics
Classification: Uncertain significance for Inborn genetic diseases. Last evaluated: 2025-06-18. Review status: criteria provided, single submitter. Criteria: Ambry Variant Classification Scheme 2023. Collection method: clinical testing. Allele origin: germline.

GeneDx
Classification: Uncertain significance. Last evaluated: 2022-08-06. Review status: criteria provided, single submitter. Criteria: GeneDx Variant Classification Process June 2021. Collection method: clinical testing. Allele origin: germline. Affected: yes.
Comment: Not observed at significant frequency in large population cohorts (gnomAD); In silico analysis supports that this missense variant does not alter protein structure/function; Has not been previously published as pathogenic or benign to our knowledge